The following is an entry in ClinVar:

ClinVar aggregate classification (germline): Conflicting classifications of pathogenicity. Review status: criteria provided, conflicting classifications (1 of 4 stars). 3 submissions from 3 submitters: Uncertain significance (1); Likely benign (1). 1 of the submissions does not count toward it. Last evaluated 2025-11-26.

Conditions:
AMMECR1-related disorder. Also called: AMMECR1-related condition.

Allele frequency attached by ClinVar (database versions not stated): gnomAD exomes 0.00004; TOPMed 0.00046; 1000 Genomes Project 30x 0.00104; ESP Exome Variant Server 0.00029; ExAC 0.00040; gnomAD 0.00044; 1000 Genomes Project 0.00079.
gnomAD v4.1: 99 of 1,165,013 alleles (0.0085%); highest among the groups gnomAD compares: African/African-American, 0.14%; no homozygotes.

Submissions (3):

Ambry Genetics
Classification: Uncertain significance. Last evaluated: 2025-11-26. Review status: criteria provided, single submitter. Criteria: Ambry Variant Classification Scheme 2023. Collection method: clinical testing. Allele origin: germline.

Breakthrough Genomics
Classification: Likely benign. Review status: criteria provided, single submitter. Criteria: ACMG Guidelines, 2015. Collection method: not provided. Allele origin: germline. Inheritance: X-linked inheritance. Affected: yes.

PreventionGenetics, part of Exact Sciences
Classification: Likely benign for AMMECR1-related condition. Last evaluated: 2023-05-26. Review status: no assertion criteria provided. Collection method: clinical testing. Allele origin: germline. Not counted in ClinVar's aggregate classification.
Comment: This variant is classified as likely benign based on ACMG/AMP sequence variant interpretation guidelines (Richards et al. 2015 PMID: 25741868, with internal and published modifications).

NM_015365.3(AMMECR1):c.283A>T (p.Thr95Ser)

Gene: AMMECR1 (AMMECR nuclear protein 1; minus strand). Cytogenetic location: Xq23.
Variant type: single nucleotide variant.
Coding change: c.283A>T on transcript NM_015365.3 (MANE Select); coding-DNA position 283, A replaced by T.
Protein change: p.Thr95Ser; replaces threonine 95 with serine.
Molecular consequence: missense variant. On other transcripts: 5 prime UTR variant (1).
Genome position (GRCh38, 1-based): chrX:110,317,789, T>A on the plus strand (A>T on the coding strand, the complement: AMMECR1 is on the minus strand). VCF-style: chrX-110317789-T-A. GRCh37 (hg19) VCF-style: chrX-109561017-T-A.
Other names: c.283A>T, p.Thr95Ser (NM_001025580.2); c.-87A>T (NM_001171689.2); short protein forms T95S.
Identifiers: ClinVar variation 3054342 (VCV003054342.4), dbSNP rs199797010, ClinGen allele CA10491607.